The following is an entry in ClinVar:

NM_005476.7(GNE):c.1559G>A (p.Cys520Tyr)

Gene: GNE (glucosamine (UDP-N-acetyl)-2-epimerase/N-acetylmannosamine kinase; minus strand). Cytogenetic location: 9p13.3.
Variant type: single nucleotide variant.
Coding change: c.1559G>A on transcript NM_005476.7 (MANE Select); coding-DNA position 1559, G replaced by A.
Protein change: p.Cys520Tyr; replaces cysteine 520 with tyrosine.
Molecular consequence: missense variant. On other transcripts: intron variant (1).
Genome position (GRCh38, 1-based): chr9:36,222,851, C>T on the plus strand (G>A on the coding strand, the complement: GNE is on the minus strand). VCF-style: chr9-36222851-C-T. GRCh37 (hg19) VCF-style: chr9-36222848-C-T.
Other names: c.1411+522G>A (NM_001190383.3); c.1652G>A, p.Cys551Tyr (NM_001128227.3); c.1229G>A, p.Cys410Tyr (NM_001190384.3); c.1382G>A, p.Cys461Tyr (NM_001190388.2, NM_001374798.1); c.1406G>A, p.Cys469Tyr (NM_001374797.1); short protein forms C410Y, C461Y, C469Y, C520Y, C551Y.
Identifiers: ClinVar variation 4814601 (VCV004814601.1).
Genomic context (GRCh38, chr9:36,222,851, plus strand): 5'-AGTGTAACAAAGTTTTCCAGTCCCTTTCCTTGGCCAAATTTCCTTTCCGCCAGGGCAGCA[C>T]AGTTGCCATCATTGTCTACCCACACAGGGAGATGCAAAGTGTCAGAAAGGGGGGTCCTAA-3'
Protein context (NP_005467.1, residues 510-530): LPVWVDNDGN[Cys520Tyr]AALAERKFGQ

ClinVar aggregate classification (germline): Likely pathogenic (1 of 4 stars; one submission).

Conditions:
GNE myopathy (NM). Also called: MYOPATHY, DISTAL, WITH OR WITHOUT RIMMED VACUOLES; IBM 2; Inclusion body myopathy autosomal recessive; Inclusion body myopathy quadriceps sparing; NONAKA DISTAL MYOPATHY; INCLUSION BODY MYOPATHY, HEREDITARY, AUTOSOMAL RECESSIVE. Identifiers: Orphanet 602, MedGen C1853926, MONDO:0011603, OMIM 605820.

Submission:

Natera, Inc.
Classification: Likely pathogenic for Nonaka myopathy. Last evaluated: 2025-11-13. Review status: criteria provided, single submitter. Criteria: Natera Variant Classification Schema (03/2026). Collection method: clinical testing. Allele origin: germline.
Comment: The c.1652G>A variant in GNE is a missense variant predicted to cause substitution of cysteine to tyrosine at amino acid 551. This variant is rare in the general population with a frequency below the threshold expected for the associated phenotype(s). This variant has been observed in one or more individuals affected with the associated recessive disease, as either homozygous or compound heterozygous with a second variant (PMID: 39519852, 25986339). Computational prediction algorithms indicate this variant is likely to affect gene or protein function. Given the available evidence, this variant is classified as Likely Pathogenic.

Literature cited by the submitters: PubMed 39519852; PubMed 25986339.